The following is an entry in ClinVar:

ClinVar aggregate classification (germline): Likely pathogenic. Review status: criteria provided, multiple submitters, no conflicts (2 of 4 stars). 2 submissions from 2 submitters: Likely pathogenic (2). Last evaluated 2026-04-05.

Conditions:
Spinocerebellar ataxia, autosomal recessive, with axonal neuropathy 2 (SCAN2). Also called: ATAXIA-OCULOMOTOR APRAXIA 2; Ataxia-ocular apraxia-2; Ataxia with Oculomotor Apraxia; Ataxia with Oculomotor Apraxia Type 2. Identifiers: Orphanet 64753, MedGen C1853761, MONDO:0018996, OMIM 606002.

Submissions (2):

GeneDx
Classification: Likely pathogenic. Last evaluated: 2026-04-05. Review status: criteria provided, single submitter. Criteria: GeneDx Variant Classification Process June 2021. Collection method: clinical testing. Allele origin: germline.
Comment: Frameshift variant predicted to result in protein truncation or nonsense mediated decay in a gene for which loss of function is a known mechanism of disease; Not observed at significant frequency in large population cohorts (gnomAD); Has not been previously published as pathogenic or benign to our knowledge

Variantyx, Inc.
Classification: Likely pathogenic for Spinocerebellar ataxia, autosomal recessive, with axonal neuropathy 2. Last evaluated: 2025-10-09. Review status: criteria provided, single submitter. Criteria: Variantyx Assertion Criteria 2022. Collection method: clinical testing. Allele origin: germline. Inheritance: Autosomal recessive inheritance. Affected: no.
Comment: This is a frameshift variant in the SETX gene (OMIM: 608465). Pathogenic variants in this gene have been associated with autosomal recessive spinocerebellar ataxia with axonal neuropathy 2. This variant introduces a premature termination codon in exon 10 out of 26 and is expected to result in loss of function, which is a known disease mechanism for SETX in this disorder (PMID: 14770181) (PVS1). This variant has a 0.0003% maximum allele frequency in non-founder control populations (PM2). Based on the current evidence, this variant is classified as likely pathogenic for autosomal recessive spinocerebellar ataxia with axonal neuropathy 2.

Literature cited by the submitters: PubMed 14770181 (cited by Variantyx, Inc.).

NM_015046.7(SETX):c.5083_5084del (p.Gln1695fs)

Gene: SETX (senataxin; minus strand). Cytogenetic location: 9q34.13.
Variant type: Microsatellite.
Coding change: c.5083_5084del on transcript NM_015046.7 (MANE Select); coding-DNA positions 5083 to 5084, 2 bases deleted (CA; older notation c.5083_5084delCA).
Protein change: p.Gln1695fs; shifts the reading frame from glutamine 1695.
Molecular consequence: frameshift variant.
Genome position (GRCh38, 1-based): chr9:132,326,514-132,326,515, TG deleted on the plus strand (CA on the coding strand, the reverse complement: SETX is on the minus strand); deleting any 2 consecutive bases within chr9:132,326,514-132,326,517 gives the same sequence; the c. name uses the placement nearest the transcript's 3' end. VCF-style (leftmost placement, unchanged base first): chr9-132326513-CTG-C. GRCh37 (hg19) VCF-style: chr9-135201900-CTG-C.
Other names: c.5083_5084del, p.Gln1695fs (NM_001351527.2, NM_001351528.2); c.5083_5084del (NM_015046.5); short protein forms Q1695fs.
Identifiers: ClinVar variation 4813708 (VCV004813708.2).